The following is an entry in ClinVar:

NM_003590.5(CUL3):c.1842+3A>G

Gene: CUL3 (cullin 3; minus strand). Cytogenetic location: 2q36.2.
Variant type: single nucleotide variant.
Coding change: c.1842+3A>G on transcript NM_003590.5 (MANE Select); 3 bases into the intron after coding-DNA position 1842, A replaced by G.
Molecular consequence: intron variant.
Genome position (GRCh38, 1-based): chr2:224,495,829, T>C on the plus strand (A>G on the coding strand, the complement: CUL3 is on the minus strand). VCF-style: chr2-224495829-T-C. GRCh37 (hg19) VCF-style: chr2-225360546-T-C.
Other names: c.1644+3A>G (NM_001257197.2); c.1860+3A>G (NM_001257198.2).
Identifiers: ClinVar variation 4818891 (VCV004818891.1).

ClinVar aggregate classification (germline): Uncertain significance (1 of 4 stars; one submission).

Conditions:
Neurodevelopmental disorder with or without autism or seizures (NEDAUS). Identifiers: MedGen C5543225, MONDO:0030994, OMIM 619239.

Submission:

MVZ Medizinische Genetik Mainz
Classification: Uncertain significance for Neurodevelopmental disorder with or without autism or seizures. Last evaluated: 2026-02-26. Review status: criteria provided, single submitter. Criteria: UK Practice Guidelines For Variant Classification V4 01 2020. Collection method: clinical testing. Allele origin: germline. Inheritance: Autosomal dominant inheritance. Affected: yes. Observed: 1 variant allele.
Comment: ACMG Criteria: PM2_SUP,PP3